The following is an entry in ClinVar:

ClinVar aggregate classification (germline): Uncertain significance (1 of 4 stars; one submission).

Conditions:
Inborn genetic diseases. Identifiers: MedGen C0950123, MeSH D030342.

Submission:

Ambry Genetics
Classification: Uncertain significance for Inborn genetic diseases. Last evaluated: 2024-05-23. Review status: criteria provided, single submitter. Criteria: Ambry Variant Classification Scheme 2023. Collection method: clinical testing. Allele origin: germline.
Comment: The c.2576+2T>C intronic variant results from a T to C substitution two nucleotides after coding exon 20 of the CACNA1F gene. Alterations that disrupt the canonical splice site are expected to cause aberrant splicing, resulting in an abnormal protein or a transcript that is subject to nonsense-mediated mRNA decay; however, +2T>C alterations are capable of generating wild-type transcripts in some genomic contexts and should be interpreted with caution (Lin, 2019). This variant was not reported in population-based cohorts in the Genome Aggregation Database (gnomAD). This nucleotide position is highly conserved in available vertebrate species. In silico splice site analysis predicts that this alteration may weaken the native splice donor site and will result in the creation or strengthening of a novel splice donor site. Based on insufficient or conflicting evidence, the clinical significance of this alteration remains unclear.

Literature cited by the submitters: PubMed 31131953.

NM_001256789.3(CACNA1F):c.2543+2T>C

Gene: CACNA1F (calcium voltage-gated channel subunit alpha1 F; minus strand). Cytogenetic location: Xp11.23.
Variant type: single nucleotide variant.
Coding change: c.2543+2T>C on transcript NM_001256789.3 (MANE Select); the canonical splice donor site of the intron after coding-DNA position 2543, T replaced by C.
Molecular consequence: splice donor variant.
Genome position (GRCh38, 1-based): chrX:49,219,632, A>G on the plus strand (T>C on the coding strand, the complement: CACNA1F is on the minus strand). VCF-style: chrX-49219632-A-G. GRCh37 (hg19) VCF-style: chrX-49076091-A-G.
Other names: c.2576+2T>C (NM_005183.4); c.2381+2T>C (NM_001256790.3).
Identifiers: ClinVar variation 3262743 (VCV003262743.1).